The following is an entry in ClinVar:

NM_004006.3(DMD):c.5326-6T>C

Gene: DMD (dystrophin; minus strand). Cytogenetic location: Xp21.1.
Variant type: single nucleotide variant.
Coding change: c.5326-6T>C on transcript NM_004006.3 (MANE Select); 6 bases into the intron before coding-DNA position 5326, T replaced by C.
Molecular consequence: intron variant.
Genome position (GRCh38, 1-based): chrX:32,348,534, A>G on the plus strand (T>C on the coding strand, the complement: DMD is on the minus strand). VCF-style: chrX-32348534-A-G. GRCh37 (hg19) VCF-style: chrX-32366651-A-G.
Other names: c.5302-6T>C (NM_000109.4); c.1303-6T>C (NM_004011.4); c.1294-6T>C (NM_004012.4); c.5314-6T>C (NM_004009.3); c.4957-6T>C (NM_004010.3).
Identifiers: ClinVar variation 3341944 (VCV003341944.16).

ClinVar aggregate classification (germline): Uncertain significance (1 of 4 stars; one submission).

Submission:

CeGaT Center for Human Genetics Tuebingen
Classification: Uncertain significance. Last evaluated: 2024-07-01. Review status: criteria provided, single submitter. Criteria: CeGaT Center For Human Genetics Tuebingen Variant Classification Criteria Version 2. Collection method: clinical testing. Allele origin: germline. Affected: yes. Observed: 1 variant allele.
Comment: DMD: PM2, BP4